The following is an entry in ClinVar:

NM_002335.4(LRP5):c.*8C>T

Gene: LRP5 (LDL receptor related protein 5; plus strand). Cytogenetic location: 11q13.2.
Variant type: single nucleotide variant.
Coding change: c.*8C>T on transcript NM_002335.4 (MANE Select); 8 bases downstream of the stop codon, C replaced by T.
Molecular consequence: 3 prime UTR variant.
Genome position (GRCh38, 1-based): chr11:68,449,078, C>T. VCF-style: chr11-68449078-C-T. GRCh37 (hg19) VCF-style: chr11-68216546-C-T.
Other names: c.*8C>T (NM_001291902.2).
Identifiers: ClinVar variation 1702011 (VCV001702011.5), dbSNP rs758348649, ClinGen allele CA6150527.

ClinVar aggregate classification (germline): Uncertain significance. Review status: criteria provided, single submitter (1 of 4 stars). 2 submissions from 2 submitters: Uncertain significance (1). 1 of the submissions does not count toward it. Last evaluated 2021-03-07.

Conditions:
LRP5-related disorder. Also called: LRP5-related condition.
Osteogenesis imperfecta (OI). Identifiers: Orphanet 666, MedGen C0029434, MeSH D010013, MONDO:0019019.

Allele frequency attached by ClinVar (database versions not stated): ExAC 0.00004; gnomAD exomes 0.00004.
gnomAD v4.1: 59 of 1,531,650 alleles (0.0039%); highest among the groups gnomAD compares: East Asian, 0.0091%; no homozygotes.

Submissions (2):

Genome Diagnostics Laboratory, The Hospital for Sick Children
Classification: Uncertain significance for Osteogenesis imperfecta. Last evaluated: 2021-03-07. Review status: criteria provided, single submitter. Criteria: ACMG Guidelines, 2015. Collection method: clinical testing. Allele origin: germline.

PreventionGenetics, part of Exact Sciences
Classification: Likely benign for LRP5-related condition. Last evaluated: 2022-02-08. Review status: no assertion criteria provided. Collection method: clinical testing. Allele origin: germline. Not counted in ClinVar's aggregate classification.
Comment: This variant is classified as likely benign based on ACMG/AMP sequence variant interpretation guidelines (Richards et al. 2015 PMID: 25741868, with internal and published modifications).